The following is an entry in ClinVar:

ClinVar aggregate classification (germline): Uncertain significance. Review status: criteria provided, multiple submitters, no conflicts (2 of 4 stars). 2 submissions from 2 submitters: Uncertain significance (2). Last evaluated 2024-03-06.

Conditions:
Ehlers-Danlos syndrome, type 4 (EDSVASC). Also called: Ehlers-Danlos Syndrome Type IV; Ehlers-Danlos syndrome vascular type; Ehlers Danlos syndrome, ecchymotic type; Ehlers Danlos syndrome, arterial type; Ehlers Danlos syndrome, Sack-Barabas type. Identifiers: Orphanet 286, MedGen C0268338, MONDO:0017314, OMIM 130050.
Familial thoracic aortic aneurysm and aortic dissection (TAAD). Also called: Thoracic aortic aneurysms and dissections. Identifiers: Orphanet 91387, MedGen C4707243, MONDO:0019625.

gnomAD v4.1: 1 of 1,613,762 alleles (0.000062%); highest among the groups gnomAD compares: Non-Finnish European, 0.000085%; no homozygotes.

Submissions (2):

Color Diagnostics, LLC DBA Color Health
Classification: Uncertain significance for Familial thoracic aortic aneurysm and aortic dissection. Last evaluated: 2024-03-06. Review status: criteria provided, single submitter. Criteria: ACMG Guidelines, 2015. Collection method: clinical testing. Allele origin: germline.
Comment: This missense variant replaces aspartic acid with valine at codon 548 of the COL3A1 protein. Computational prediction suggests that this variant may have deleterious impact on protein structure and function (internally defined REVEL score threshold >= 0.7, PMID: 27666373). To our knowledge, functional studies have not been reported for this variant. This variant has not been reported in individuals affected with COL3A1-related disorders in the literature. This variant has not been identified in the general population by the Genome Aggregation Database (gnomAD). The available evidence is insufficient to determine the role of this variant in disease conclusively. Therefore, this variant is classified as a Variant of Uncertain Significance.

All of Us Research Program, National Institutes of Health
Classification: Uncertain significance for Ehlers-Danlos syndrome, type 4. Last evaluated: 2023-03-04. Review status: criteria provided, single submitter. Criteria: ACMG Guidelines, 2015. Collection method: clinical testing. Allele origin: germline. Inheritance: Autosomal dominant inheritance. Observed: 1 variant allele, 1 heterozygote.
Comment: This missense variant replaces aspartic acid with valine at codon 548 of the COL3A1 protein. Computational prediction suggests that this variant may have deleterious impact on protein structure and function (internally defined REVEL score threshold >= 0.7, PMID: 27666373). To our knowledge, functional studies have not been reported for this variant. This variant has not been reported in individuals affected with cardiovascular disorders in the literature. This variant has not been identified in the general population by the Genome Aggregation Database (gnomAD). The available evidence is insufficient to determine the role of this variant in disease conclusively. Therefore, this variant is classified as a Variant of Uncertain Significance.

This study involves interpretation of variants in research participants for the purpose of population health screening. Participant phenotype was not available at the time of variant classification. Additional details can be found in publication PMID: 35346344, PMCID: PMC8962531

NM_000090.4(COL3A1):c.1643A>T (p.Asp548Val)

Gene: COL3A1 (collagen type III alpha 1 chain; plus strand). Cytogenetic location: 2q32.2.
Variant type: single nucleotide variant.
Coding change: c.1643A>T on transcript NM_000090.4 (MANE Select); coding-DNA position 1643, A replaced by T.
Protein change: p.Asp548Val; replaces aspartic acid 548 with valine.
Molecular consequence: missense variant.
Genome position (GRCh38, 1-based): chr2:188,996,159, A>T. VCF-style: chr2-188996159-A-T. GRCh37 (hg19) VCF-style: chr2-189860885-A-T.
Other names: short protein forms D548V.
Identifiers: ClinVar variation 2775110 (VCV002775110.3), dbSNP rs1688304657, ClinGen allele CA349852472.